The following is an entry in ClinVar:

NM_001184.4(ATR):c.751T>A (p.Phe251Ile)

Gene: ATR (ATR checkpoint kinase; minus strand). Cytogenetic location: 3q23.
Variant type: single nucleotide variant.
Coding change: c.751T>A on transcript NM_001184.4 (MANE Select); coding-DNA position 751, T replaced by A.
Protein change: p.Phe251Ile; replaces phenylalanine 251 with isoleucine.
Molecular consequence: missense variant.
Genome position (GRCh38, 1-based): chr3:142,562,651, A>T on the plus strand (T>A on the coding strand, the complement: ATR is on the minus strand). VCF-style: chr3-142562651-A-T. GRCh37 (hg19) VCF-style: chr3-142281493-A-T.
Other names: c.751T>A, p.Phe251Ile (NM_001354579.2); short protein forms F251I.
Identifiers: ClinVar variation 2631854 (VCV002631854.1), dbSNP rs2473427767, ClinGen allele CA354825698.

ClinVar aggregate classification (germline): Uncertain significance (1 of 4 stars; one submission).

Conditions:
ATR-related disorder. Also called: ATR-related condition.

Allele frequency attached by ClinVar (database versions not stated): gnomAD exomes below 0.00001.
gnomAD v4.1: 1 of 1,614,120 alleles (0.000062%); highest among the groups gnomAD compares: Non-Finnish European, 0.000085%; no homozygotes.

Submission:

PreventionGenetics, part of Exact Sciences
Classification: Uncertain significance for ATR-related condition. Last evaluated: 2023-05-10. Review status: criteria provided, single submitter. Criteria: ACMG Guidelines, 2015. Collection method: clinical testing. Allele origin: germline.
Comment: The ATR c.751T>A variant is predicted to result in the amino acid substitution p.Phe251Ile. To our knowledge, this variant has not been reported in the literature or in a large population database, indicating this variant is rare. At this time, the clinical significance of this variant is uncertain due to the absence of conclusive functional and genetic evidence.